The following is an entry in ClinVar:

NM_138694.4(PKHD1):c.6996+9T>A

Gene: PKHD1 (PKHD1 ciliary IPT domain containing fibrocystin/polyductin; minus strand). Cytogenetic location: 6p12.2.
Variant type: single nucleotide variant.
Coding change: c.6996+9T>A on transcript NM_138694.4 (MANE Select); 9 bases into the intron after coding-DNA position 6996, T replaced by A.
Molecular consequence: intron variant.
Genome position (GRCh38, 1-based): chr6:51,903,588, A>T on the plus strand (T>A on the coding strand, the complement: PKHD1 is on the minus strand). VCF-style: chr6-51903588-A-T. GRCh37 (hg19) VCF-style: chr6-51768386-A-T.
Other names: c.6996+9T>A (NM_170724.3).
Identifiers: ClinVar variation 241847 (VCV000241847.15), dbSNP rs878855203, ClinGen allele CA10582454.

ClinVar aggregate classification (germline): Likely benign. Review status: criteria provided, single submitter (1 of 4 stars). 3 submissions from 3 submitters: Likely benign (1). 2 of the submissions do not count toward it. Last evaluated 2023-03-27.

Conditions:
PKHD1-related disorder. Also called: PKHD1-related condition.
Autosomal recessive polycystic kidney disease (ARPKD). Also called: AR polycystic kidney disease. Identifiers: Orphanet 731, Orphanet 8378, MedGen C0085548, MeSH D017044, MONDO:0009889.
Polycystic kidney disease 4 (PKD4). Also called: POLYCYSTIC KIDNEY DISEASE 4 WITH OR WITHOUT POLYCYSTIC LIVER DISEASE; Autosomal Recessive Polycystic Kidney Disease – PKHD1; POLYCYSTIC KIDNEY AND HEPATIC DISEASE 1; POLYCYSTIC KIDNEY DISEASE, INFANTILE, TYPE I; PKD3. Identifiers: MedGen C4540575, MONDO:0033004, OMIM 263200.

Allele frequency attached by ClinVar (database versions not stated): gnomAD exomes 0.00001.
gnomAD v4.1: 17 of 1,608,436 alleles (0.0011%); highest among the groups gnomAD compares: Non-Finnish European, 0.0014%; no homozygotes.

Submissions (3):

Labcorp Genetics (formerly Invitae), Labcorp
Classification: Likely benign for Autosomal recessive polycystic kidney disease. Last evaluated: 2023-03-27. Review status: criteria provided, single submitter. Criteria: Invitae Variant Classification Sherloc (09022015). Collection method: clinical testing. Allele origin: germline.

PreventionGenetics, part of Exact Sciences
Classification: Likely benign for PKHD1-related condition. Last evaluated: 2019-07-23. Review status: no assertion criteria provided. Collection method: clinical testing. Allele origin: germline. Not counted in ClinVar's aggregate classification.
Comment: This variant is classified as likely benign based on ACMG/AMP sequence variant interpretation guidelines (Richards et al. 2015 PMID: 25741868, with internal and published modifications).

Counsyl
Classification: Likely benign for Polycystic kidney disease 4. Last evaluated: 2018-04-02. Review status: no assertion criteria provided. Collection method: clinical testing. Allele origin: unknown. Not counted in ClinVar's aggregate classification.